The following is an entry in ClinVar:

NM_005060.4(RORC):c.1396-68G>A

Gene: RORC (RAR related orphan receptor C; minus strand). Cytogenetic location: 1q21.3.
Variant type: single nucleotide variant.
Coding change: c.1396-68G>A on transcript NM_005060.4 (MANE Select); 68 bases into the intron before coding-DNA position 1396, G replaced by A.
Molecular consequence: intron variant.
Genome position (GRCh38, 1-based): chr1:151,807,701, C>T on the plus strand (G>A on the coding strand, the complement: RORC is on the minus strand). VCF-style: chr1-151807701-C-T. GRCh37 (hg19) VCF-style: chr1-151780177-C-T.
Other names: c.1333-68G>A (NM_001001523.2).
Identifiers: ClinVar variation 2628172 (VCV002628172.2), dbSNP rs3828057, ClinGen allele CA10815443.

ClinVar aggregate classification (germline): Benign (1 of 4 stars; one submission).

Allele frequency attached by ClinVar (database versions not stated): 1000 Genomes Project 30x 0.28279; 1000 Genomes Project 0.28514; TOPMed 0.34604; gnomAD 0.36083; gnomAD exomes 0.42716.
gnomAD v4.1: 645,251 of 1,539,496 alleles (42%); highest among the groups gnomAD compares: Non-Finnish European, 45%; 140,099 homozygotes.

Submission:

Unidad de Genómica Garrahan, Hospital de Pediatría Garrahan
Classification: Benign. Last evaluated: 2023-11-12. Review status: criteria provided, single submitter. Criteria: ACMG Guidelines, 2015. Collection method: clinical testing. Allele origin: germline. Affected: no. Observed: 49 variant alleles.
Comment: This variant is classified as Benign based on local population frequency. This variant was detected in 51% of patients studied by a panel of primary immunodeficiencies. Number of patients: 49. Only high quality variants are reported.